The following is an entry in ClinVar:

ClinVar aggregate classification (germline): Conflicting classifications of pathogenicity. Review status: criteria provided, conflicting classifications (1 of 4 stars). 2 submissions from 2 submitters: Pathogenic (1); Uncertain significance (1). Last evaluated 2020-03-19.

Conditions:
Developmental and epileptic encephalopathy, 27 (DEE27). Also called: GRIN2B-Related Neurodevelopmental Disorder; Epileptic encephalopathy, early infantile, 27. Identifiers: Orphanet 3451, MedGen C4015316, MONDO:0014505, OMIM 616139.
Complex neurodevelopmental disorder. Identifiers: Orphanet 528084, MedGen C5568766, MONDO:0100038.

Submissions (2):

Laboratoire Génétique Moléculaire, CHRU TOURS
Classification: Pathogenic. Last evaluated: 2020-03-19. Review status: criteria provided, single submitter. Criteria: ACMG Guidelines, 2015. Collection method: clinical testing. Allele origin: de novo. Affected: yes.

Baylor Genetics
Classification: Uncertain significance for Developmental and epileptic encephalopathy, 27. Last evaluated: 2017-09-01. Review status: criteria provided, single submitter. Criteria: ACMG Guidelines, 2015. Collection method: clinical testing. Allele origin: de novo. Inheritance: Autosomal dominant inheritance. Affected: yes.

Literature cited by the submitters: PubMed 25326635 (cited by Baylor Genetics).

NM_000834.5(GRIN2B):c.1937A>G (p.Tyr646Cys)

Gene: GRIN2B (glutamate ionotropic receptor NMDA type subunit 2B; minus strand). Cytogenetic location: 12p13.1.
Variant type: single nucleotide variant.
Coding change: c.1937A>G on transcript NM_000834.5 (MANE Select); coding-DNA position 1937, A replaced by G.
Protein change: p.Tyr646Cys; replaces tyrosine 646 with cysteine.
Molecular consequence: missense variant.
Genome position (GRCh38, 1-based): chr12:13,608,676, T>C on the plus strand (A>G on the coding strand, the complement: GRIN2B is on the minus strand). VCF-style: chr12-13608676-T-C. GRCh37 (hg19) VCF-style: chr12-13761610-T-C.
Other names: short protein forms Y646C.
Identifiers: ClinVar variation 561025 (VCV000561025.5), dbSNP rs1565474582, ClinGen allele CA384050982.